The following is an entry in ClinVar:

ClinVar aggregate classification (germline): Likely pathogenic (1 of 4 stars; one submission).

Conditions:
Marinesco-Sjögren syndrome (MSS). Also called: Marinesco-SjÃ¶gren syndrome; Marinesco-Sjogren Syndrome. Identifiers: Orphanet 559, MedGen C0024814, MONDO:0009567, OMIM 248800.

Submission:

Women's Health and Genetics/Laboratory Corporation of America, LabCorp
Classification: Likely pathogenic for Marinesco-Sjögren syndrome. Last evaluated: 2023-01-05. Review status: criteria provided, single submitter. Criteria: LabCorp Variant Classification Summary - May 2015. Collection method: clinical testing. Allele origin: germline.
Comment: Variant summary: SIL1 c.1038delC (p.Glu347ArgfsX6) results in a premature termination codon predicted to cause a truncation of the encoded protein, a commonly known mechanism for disease. Although it is not expected to cause nonsense mediated decay, truncations downstream of this variant have been classified as pathogenic in ClinVar and have been associated with disease (HGMD database). The variant was absent in 245016 control chromosomes (gnomAD). To our knowledge, no occurrence of c.1038delC in individuals affected with Marinesco-Sjogren Syndrome and no experimental evidence demonstrating its impact on protein function have been reported. No clinical diagnostic laboratories have submitted clinical-significance assessments for this variant to ClinVar after 2014. Based on the evidence outlined above, the variant was classified as likely pathogenic.

NM_022464.5(SIL1):c.1038del (p.Glu347fs)

Gene: SIL1 (SIL1 nucleotide exchange factor; minus strand). Cytogenetic location: 5q31.2.
Variant type: Deletion.
Coding change: c.1038del on transcript NM_022464.5 (MANE Select); coding-DNA position 1038, one base deleted (C; older notation c.1038delC).
Protein change: p.Glu347fs; shifts the reading frame from glutamic acid 347.
Molecular consequence: frameshift variant.
Genome position (GRCh38, 1-based): chr5:138,947,465, G deleted on the plus strand (C on the coding strand, the reverse complement: SIL1 is on the minus strand); the first of 2 consecutive G bases (chr5:138,947,465-138,947,466); deleting either gives the same sequence. VCF-style (leftmost placement, unchanged base first): chr5-138947464-CG-C. GRCh37 (hg19) VCF-style: chr5-138283153-CG-C.
Other names: c.1038del, p.Glu347fs (NM_001037633.2); short protein forms E347fs.
Identifiers: ClinVar variation 2429282 (VCV002429282.2), dbSNP rs2534009501, ClinGen allele CA2580072876.